The following is an entry in ClinVar:

ClinVar aggregate classification (germline): Likely benign (1 of 4 stars; one submission).

Conditions:
PEX5-related disorder. Also called: PEX5-Related Disorders; PEX5-related condition.

gnomAD v4.1: 179 of 1,463,354 alleles (0.012%); highest among the groups gnomAD compares: Admixed American, 0.022%; no homozygotes.

Submission:

PreventionGenetics, part of Exact Sciences
Classification: Likely benign for PEX5-related condition. Last evaluated: 2025-02-19. Review status: criteria provided, single submitter. Criteria: ACMG Guidelines, 2015. Collection method: clinical testing. Allele origin: germline.
Comment: This variant is classified as likely benign based on ACMG/AMP sequence variant interpretation guidelines (Richards et al. 2015 PMID: 25741868, with internal and published modifications).

NM_001351132.2(PEX5):c.-17+179A>G

Gene: PEX5 (peroxisomal biogenesis factor 5; plus strand). Cytogenetic location: 12p13.31.
Variant type: single nucleotide variant.
Coding change: c.-17+179A>G on transcript NM_001351132.2 (MANE Select); 179 bases into the intron after 17 bases upstream of the start codon, A replaced by G.
Molecular consequence: intron variant. On other transcripts: 5 prime UTR variant (8).
Genome position (GRCh38, 1-based): chr12:7,189,929, A>G. VCF-style: chr12-7189929-A-G. GRCh37 (hg19) VCF-style: chr12-7342525-A-G.
Other names: c.-68A>G (NM_001351135.3, NM_001351137.3, NM_001300789.3); c.-449A>G (NM_001374647.2, NM_001374648.2, NM_001374649.2); c.-16-433A>G (NM_001351124.3); c.-211-93A>G (NM_001131026.2, NM_001351133.2, NM_001351127.2 and 1 more transcripts); c.-17+398A>G (NM_001351131.2, NM_001351126.2); c.-17+179A>G (NM_001374646.1, NM_001131023.2, NM_001351138.2 and 4 more transcripts); c.-90+179A>G (NM_001351134.2, NM_001351128.2); c.-15+179A>G (NM_001374645.1); and 1 more.
Identifiers: ClinVar variation 4979564 (VCV004979564.1).